The following is an entry in ClinVar:

ClinVar aggregate classification (germline): Uncertain significance (1 of 4 stars; one submission).

Conditions:
Congenital myasthenic syndrome 5. Identifiers: Orphanet 590, MedGen C1864233, MONDO:0011281, OMIM 603034.

Allele frequency attached by ClinVar (database versions not stated): gnomAD exomes below 0.00001.
gnomAD v4.1: 2 of 1,602,140 alleles (0.00012%); highest among the groups gnomAD compares: Non-Finnish European, 0.00017%; no homozygotes.

Submission:

Labcorp Genetics (formerly Invitae), Labcorp
Classification: Uncertain significance for Congenital myasthenic syndrome 5. Last evaluated: 2022-05-03. Review status: criteria provided, single submitter. Criteria: Invitae Variant Classification Sherloc (09022015). Collection method: clinical testing. Allele origin: germline.
Comment: In summary, the available evidence is currently insufficient to determine the role of this variant in disease. Therefore, it has been classified as a Variant of Uncertain Significance. Algorithms developed to predict the effect of missense changes on protein structure and function are either unavailable or do not agree on the potential impact of this missense change (SIFT: "Deleterious"; PolyPhen-2: "Not Available"; Align-GVGD: "Class C65"). This variant has not been reported in the literature in individuals affected with COLQ-related conditions. This variant is not present in population databases (gnomAD no frequency). This sequence change replaces glycine, which is neutral and non-polar, with tryptophan, which is neutral and slightly polar, at codon 168 of the COLQ protein (p.Gly168Trp).

NM_005677.4(COLQ):c.502G>T (p.Gly168Trp)

Gene: COLQ (collagen like tail subunit of asymmetric acetylcholinesterase; minus strand). Cytogenetic location: 3p25.1.
Variant type: single nucleotide variant.
Coding change: c.502G>T on transcript NM_005677.4 (MANE Select); coding-DNA position 502, G replaced by T.
Protein change: p.Gly168Trp; replaces glycine 168 with tryptophan.
Molecular consequence: missense variant.
Genome position (GRCh38, 1-based): chr3:15,475,451, C>A on the plus strand (G>T on the coding strand, the complement: COLQ is on the minus strand). VCF-style: chr3-15475451-C-A. GRCh37 (hg19) VCF-style: chr3-15516958-C-A.
Other names: c.472G>T, p.Gly158Trp (NM_080538.2); c.400G>T, p.Gly134Trp (NM_080539.4); short protein forms G158W, G134W, G168W.
Identifiers: ClinVar variation 2133143 (VCV002133143.4), dbSNP rs2470879904, ClinGen allele CA351599008.